The following is an entry in ClinVar:

ClinVar aggregate classification (germline): Pathogenic (1 of 4 stars; one submission).

Submission:

Labcorp Genetics (formerly Invitae), Labcorp
Classification: Pathogenic. Last evaluated: 2021-08-30. Review status: criteria provided, single submitter. Criteria: Invitae Variant Classification Sherloc (09022015). Collection method: clinical testing. Allele origin: germline.
Comment: For these reasons, this variant has been classified as Pathogenic. This variant has not been reported in the literature in individuals affected with XPA-related conditions. This variant is not present in population databases (ExAC no frequency). This sequence change creates a premature translational stop signal (p.Cys105*) in the XPA gene. It is expected to result in an absent or disrupted protein product. Loss-of-function variants in XPA are known to be pathogenic (PMID: 27607234).

Literature cited by the submitters: PubMed 27607234.

NM_000380.4(XPA):c.315C>A (p.Cys105Ter)

Gene: XPA (XPA, DNA damage recognition and repair factor; minus strand). Cytogenetic location: 9q22.33.
Variant type: single nucleotide variant.
Coding change: c.315C>A on transcript NM_000380.4 (MANE Select); coding-DNA position 315, C replaced by A.
Protein change: p.Cys105Ter; replaces cysteine 105 with a stop codon.
Molecular consequence: nonsense. On other transcripts: non-coding transcript variant (2).
Genome position (GRCh38, 1-based): chr9:97,689,608, G>T on the plus strand (C>A on the coding strand, the complement: XPA is on the minus strand). VCF-style: chr9-97689608-G-T. GRCh37 (hg19) VCF-style: chr9-100451890-G-T.
Other names: c.189C>A, p.Cys63Ter (NM_001354975.2); short protein forms C63*, C105*.
Identifiers: ClinVar variation 1379191 (VCV001379191.6), dbSNP rs138536873, ClinGen allele CA374187845.
Genomic context (GRCh38, chr9:97,689,608, plus strand): 5'-AGTTGGCAAATCAAAGTGGTTCATAAGATAAGAATCCATAAATTCTTTCCCACATTCTTC[G>T]CATATTACATAATCAAATTCCATAACAGGTCCTAAGAAAAGGAAAATGAACTCTAGTTTC-3'